The following is an entry in ClinVar:

ClinVar aggregate classification (germline): Likely benign (1 of 4 stars; one submission).

gnomAD v4.1: 95 of 1,551,460 alleles (0.0061%); highest among the groups gnomAD compares: Middle Eastern, 0.05%; 2 homozygotes.

Submission:

CeGaT Center for Human Genetics Tuebingen
Classification: Likely benign. Last evaluated: 2025-12-01. Review status: criteria provided, single submitter. Criteria: CeGaT Center For Human Genetics Tuebingen Variant Classification Criteria Version 2. Collection method: clinical testing. Allele origin: germline. Affected: yes. Observed: 1 variant allele.
Comment: SETD1B: BP4, BS2

NM_001353345.2(SETD1B):c.4013C>T (p.Pro1338Leu)

Gene: SETD1B (SET domain containing 1B, histone lysine methyltransferase; plus strand). Cytogenetic location: 12q24.31.
Variant type: single nucleotide variant.
Coding change: c.4013C>T on transcript NM_001353345.2 (MANE Select); coding-DNA position 4013, C replaced by T.
Protein change: p.Pro1338Leu; replaces proline 1338 with leucine.
Molecular consequence: missense variant.
Genome position (GRCh38, 1-based): chr12:121,822,592, C>T. VCF-style: chr12-121822592-C-T. GRCh37 (hg19) VCF-style: chr12-122260498-C-T.
Other names: short protein forms P1338L.
Identifiers: ClinVar variation 4681578 (VCV004681578.5).